The following is an entry in ClinVar:

ClinVar aggregate classification (germline): Uncertain significance (1 of 4 stars; one submission).

gnomAD v4.1: 37 of 1,612,576 alleles (0.0023%); highest among the groups gnomAD compares: Admixed American, 0.0033%; 1 homozygote.

Submission:

GeneDx
Classification: Uncertain significance. Last evaluated: 2025-07-17. Review status: criteria provided, single submitter. Criteria: GeneDx Variant Classification Process June 2021. Collection method: clinical testing. Allele origin: germline. Affected: yes.
Comment: Not observed at significant frequency in large population cohorts (gnomAD); In silico analysis suggests that this missense variant does not alter protein structure/function; Has not been previously published as pathogenic or benign to our knowledge

NM_001042545.2(LTBP4):c.1916C>T (p.Ala639Val)

Gene: LTBP4 (latent transforming growth factor beta binding protein 4; plus strand). Cytogenetic location: 19q13.2.
Variant type: single nucleotide variant.
Coding change: c.1916C>T on transcript NM_001042545.2 (MANE Select); coding-DNA position 1916, C replaced by T.
Protein change: p.Ala639Val; replaces alanine 639 with valine.
Molecular consequence: missense variant.
Genome position (GRCh38, 1-based): chr19:40,611,257, C>T. VCF-style: chr19-40611257-C-T. GRCh37 (hg19) VCF-style: chr19-41117163-C-T.
Other names: c.2117C>T, p.Ala706Val (NM_001042544.1); c.2006C>T, p.Ala669Val (NM_003573.2); short protein forms A639V, A669V, A706V.
Identifiers: ClinVar variation 4686506 (VCV004686506.1).
Genomic context (GRCh38, chr19:40,611,257, plus strand): 5'-CCTGCAAGAACCTGCCTGGCTCTTTCCGCTGTGTTTGCCCGGCTGGCTTCCGGGGCTCGG[C>T]GTGTGAAGAGGATGTGGATGAGTGTGCCCAGGAGCCGCCGCCCTGTGGGCCCGGCCGCTG-3'
Protein context (NP_001036010.1, residues 629-649): CVCPAGFRGS[Ala639Val]CEEDVDECAQ